The following is an entry in ClinVar:

NM_032977.4(CASP10):c.*665G>A

Gene: CASP10 (caspase 10; plus strand). Cytogenetic location: 2q33.1.
Variant type: single nucleotide variant.
Coding change: c.*665G>A on transcript NM_032977.4 (MANE Select); 665 bases downstream of the stop codon, G replaced by A.
Molecular consequence: 3 prime UTR variant. On other transcripts: intron variant (2).
Genome position (GRCh38, 1-based): chr2:201,218,406, G>A. VCF-style: chr2-201218406-G-A. GRCh37 (hg19) VCF-style: chr2-202083129-G-A.
Other names: c.*665G>A (NM_001206524.2, NM_001230.5); c.*1320G>A (NM_032976.4); c.1415+8844G>A (NM_032974.5); c.1286+8844G>A (NM_001206542.2).
Identifiers: ClinVar variation 333451 (VCV000333451.5), dbSNP rs142072849, ClinGen allele CA10612346.

ClinVar aggregate classification (germline): Benign (1 of 4 stars; one submission).

Conditions:
Autoimmune lymphoproliferative syndrome type 2A (ALPS2A). Also called: CASP10-Related Autoimmune Lymphoproliferative Syndrome; AUTOIMMUNE LYMPHOPROLIFERATIVE SYNDROME, TYPE IIA; Autoimmune lymphoproliferative syndrome type 2. Identifiers: Orphanet 3261, MedGen C1858968, MONDO:0011383, OMIM 603909.

Allele frequency attached by ClinVar (database versions not stated): gnomAD exomes 0.00031; gnomAD 0.00429 and 0.00456; TOPMed 0.00455; 1000 Genomes Project 0.00499; 1000 Genomes Project 30x 0.00562.
gnomAD v4.1: 872 of 839,276 alleles (0.1%); highest among the groups gnomAD compares: African/African-American, 1.4%; 6 homozygotes.

Submission:

Illumina Laboratory Services, Illumina
Classification: Benign for Autoimmune lymphoproliferative syndrome type 2A. Last evaluated: 2018-01-13. Review status: criteria provided, single submitter. Criteria: ICSL Variant Classification Criteria 13 December 2019. Collection method: clinical testing. Allele origin: germline.
Comment: This variant was observed in the ICSL laboratory as part of a predisposition screen in an ostensibly healthy population. It had not been previously curated by ICSL or reported in the Human Gene Mutation Database (HGMD: prior to June 1st, 2018), and was therefore a candidate for classification through an automated scoring system. Utilizing variant allele frequency, disease prevalence and penetrance estimates, and inheritance mode, an automated score was calculated to assess if this variant is too frequent to cause the disease. Based on the score and internal cut-off values, a variant classified as benign is not then subjected to further curation. The score for this variant resulted in a classification of benign for this disease.